The following is an entry in ClinVar:

NM_002485.5(NBN):c.185A>T (p.Glu62Val)

Gene: NBN (nibrin; minus strand). Cytogenetic location: 8q21.3.
Variant type: single nucleotide variant.
Coding change: c.185A>T on transcript NM_002485.5 (MANE Select); coding-DNA position 185, A replaced by T.
Protein change: p.Glu62Val; replaces glutamic acid 62 with valine.
Molecular consequence: missense variant. On other transcripts: 5 prime UTR variant (1).
Genome position (GRCh38, 1-based): chr8:89,981,510, T>A on the plus strand (A>T on the coding strand, the complement: NBN is on the minus strand). VCF-style: chr8-89981510-T-A. GRCh37 (hg19) VCF-style: chr8-90993738-T-A.
Other names: c.-62A>T (NM_001024688.3); short protein forms E62V.
Identifiers: ClinVar variation 1401018 (VCV001401018.10), dbSNP rs1812067152, ClinGen allele CA371662613.
Genomic context (GRCh38, chr8:89,981,510, plus strand): 5'-TTTTCCTCATTAACAAAGGTACCATACTTAGAATTATCTTTTAATGTCAATACAGGGATT[T>A]CATCTGTTTGACTCTGAAAAGTTAGCAAATAATTTAAAGTCTTTTACCACTCAGTACATT-3'
Protein context (NP_002476.2, residues 52-72): FSVTNLSQTD[Glu62Val]IPVLTLKDNS

ClinVar aggregate classification (germline): Uncertain significance. Review status: criteria provided, multiple submitters, no conflicts (2 of 4 stars). 2 submissions from 2 submitters: Uncertain significance (2). Last evaluated 2024-11-10.

Conditions:
Hereditary cancer-predisposing syndrome. Also called: Neoplastic Syndromes, Hereditary; Hereditary neoplastic syndrome; Hereditary Cancer Syndrome; Tumor predisposition. Identifiers: Orphanet 140162, MedGen C0027672, MeSH D009386, MONDO:0015356.
Microcephaly, normal intelligence and immunodeficiency (NBS). Also called: Microcephaly with normal intelligence immunodeficiency and lymphoreticular malignancies; Nonsyndromal microcephaly autosomal recessive with normal intelligence; Seemanova syndrome 2; Immunodeficiency, microcephaly with normal intelligence; BERLIN BREAKAGE SYNDROME; SEEMANOVA SYNDROME II. Identifiers: Orphanet 647, MedGen C0398791, MONDO:0009623, OMIM 251260.

Submissions (2):

Labcorp Genetics (formerly Invitae), Labcorp
Classification: Uncertain significance for Microcephaly, normal intelligence and immunodeficiency. Last evaluated: 2024-11-10. Review status: criteria provided, single submitter. Criteria: Invitae Variant Classification Sherloc (09022015). Collection method: clinical testing. Allele origin: germline.
Comment: This sequence change replaces glutamic acid, which is acidic and polar, with valine, which is neutral and non-polar, at codon 62 of the NBN protein (p.Glu62Val). This variant is not present in population databases (gnomAD no frequency). This variant has not been reported in the literature in individuals affected with NBN-related conditions. ClinVar contains an entry for this variant (Variation ID: 1401018). An algorithm developed to predict the effect of missense changes on protein structure and function (PolyPhen-2) suggests that this variant is likely to be disruptive. In summary, the available evidence is currently insufficient to determine the role of this variant in disease. Therefore, it has been classified as a Variant of Uncertain Significance.

Ambry Genetics
Classification: Uncertain significance for Hereditary cancer-predisposing syndrome. Last evaluated: 2021-12-30. Review status: criteria provided, single submitter. Criteria: Ambry Variant Classification Scheme 2023. Collection method: clinical testing. Allele origin: germline.
Comment: The p.E62V variant (also known as c.185A>T), located in coding exon 3 of the NBN gene, results from an A to T substitution at nucleotide position 185. The glutamic acid at codon 62 is replaced by valine, an amino acid with dissimilar properties. This amino acid position is conserved. In addition, this alteration is predicted to be tolerated by in silico analysis. Since supporting evidence is limited at this time, the clinical significance of this alteration remains unclear.